The following is an entry in ClinVar:

NM_000215.4(JAK3):c.2163C>T (p.Gly721=)

Gene: JAK3 (Janus kinase 3; minus strand). Cytogenetic location: 19p13.11.
Variant type: single nucleotide variant.
Coding change: c.2163C>T on transcript NM_000215.4 (MANE Select); coding-DNA position 2163, C replaced by T.
Protein change: p.Gly721=; no amino-acid change (glycine 721 retained).
Molecular consequence: synonymous variant.
Genome position (GRCh38, 1-based): chr19:17,834,888, G>A on the plus strand (C>T on the coding strand, the complement: JAK3 is on the minus strand). VCF-style: chr19-17834888-G-A. GRCh37 (hg19) VCF-style: chr19-17945697-G-A.
Identifiers: ClinVar variation 1634727 (VCV001634727.31), dbSNP rs200715301, ClinGen allele CA9301673.

ClinVar aggregate classification (germline): Likely benign. Review status: criteria provided, multiple submitters, no conflicts (2 of 4 stars). 2 submissions from 2 submitters: Likely benign (2). Last evaluated 2024-02-07.

Conditions:
T-B+ severe combined immunodeficiency due to JAK3 deficiency. Also called: SCID, autosomal recessive, T-negative/B-positive type; SCID, T CELL-NEGATIVE, B CELL-POSITIVE, NK CELL-NEGATIVE. Identifiers: Orphanet 35078, MedGen C1833275, MONDO:0010938, OMIM 600802.

Allele frequency attached by ClinVar (database versions not stated): gnomAD exomes below 0.00001 and 0.00001; ExAC 0.00002.

Submissions (2):

Labcorp Genetics (formerly Invitae), Labcorp
Classification: Likely benign for T-B+ severe combined immunodeficiency due to JAK3 deficiency. Last evaluated: 2024-02-07. Review status: criteria provided, single submitter. Criteria: Invitae Variant Classification Sherloc (09022015). Collection method: clinical testing. Allele origin: germline.

CeGaT Center for Human Genetics Tuebingen
Classification: Likely benign. Last evaluated: 2023-08-01. Review status: criteria provided, single submitter. Criteria: CeGaT Center For Human Genetics Tuebingen Variant Classification Criteria Version 2. Collection method: clinical testing. Allele origin: germline. Affected: yes. Observed: 1 variant allele.
Comment: JAK3: BP4, BP7